The following is an entry in ClinVar:

NM_004431.5(EPHA2):c.697C>T (p.His233Tyr)

Gene: EPHA2 (EPH receptor A2; minus strand). Cytogenetic location: 1p36.13.
Variant type: single nucleotide variant.
Coding change: c.697C>T on transcript NM_004431.5 (MANE Select); coding-DNA position 697, C replaced by T.
Protein change: p.His233Tyr; replaces histidine 233 with tyrosine.
Molecular consequence: missense variant.
Genome position (GRCh38, 1-based): chr1:16,148,504, G>A on the plus strand (C>T on the coding strand, the complement: EPHA2 is on the minus strand). VCF-style: chr1-16148504-G-A. GRCh37 (hg19) VCF-style: chr1-16474999-G-A.
Other names: c.535C>T, p.His179Tyr (NM_001329090.2); short protein forms H179Y, H233Y.
Identifiers: ClinVar variation 2714857 (VCV002714857.3), dbSNP rs200823845, ClinGen allele CA625461.

ClinVar aggregate classification (germline): Uncertain significance (1 of 4 stars; one submission).

Conditions:
Cataract 6 multiple types. Also called: CATARACT 6, POSTERIOR POLAR; CATARACT 6, CONGENITAL TOTAL; CATARACT, AGE-RELATED CORTICAL, 2. Identifiers: Orphanet 91492, MedGen C1861825, MONDO:0007288, OMIM 116600.

Allele frequency attached by ClinVar (database versions not stated): gnomAD 0.00002; ExAC 0.00003; TOPMed 0.00003; gnomAD exomes 0.00005.
gnomAD v4.1: 77 of 1,613,680 alleles (0.0048%); highest among the groups gnomAD compares: Non-Finnish European, 0.0056%; no homozygotes.

Submission:

Labcorp Genetics (formerly Invitae), Labcorp
Classification: Uncertain significance for Cataract 6 multiple types. Last evaluated: 2023-06-16. Review status: criteria provided, single submitter. Criteria: Invitae Variant Classification Sherloc (09022015). Collection method: clinical testing. Allele origin: germline.
Comment: In summary, the available evidence is currently insufficient to determine the role of this variant in disease. Therefore, it has been classified as a Variant of Uncertain Significance. Advanced modeling of protein sequence and biophysical properties (such as structural, functional, and spatial information, amino acid conservation, physicochemical variation, residue mobility, and thermodynamic stability) performed at Invitae indicates that this missense variant is not expected to disrupt EPHA2 protein function. This variant has not been reported in the literature in individuals affected with EPHA2-related conditions. This variant is present in population databases (rs200823845, gnomAD 0.007%). This sequence change replaces histidine, which is basic and polar, with tyrosine, which is neutral and polar, at codon 233 of the EPHA2 protein (p.His233Tyr).